The following is an entry in ClinVar:

NM_001080414.4(CCDC88C):c.987G>A (p.Glu329=)

Gene: CCDC88C (coiled-coil and HOOK domain protein 88C; minus strand). Cytogenetic location: 14q32.11.
Variant type: single nucleotide variant.
Coding change: c.987G>A on transcript NM_001080414.4 (MANE Select); coding-DNA position 987, G replaced by A.
Protein change: p.Glu329=; no amino-acid change (glutamic acid 329 retained).
Molecular consequence: synonymous variant.
Genome position (GRCh38, 1-based): chr14:91,338,068, C>T on the plus strand (G>A on the coding strand, the complement: CCDC88C is on the minus strand). VCF-style: chr14-91338068-C-T. GRCh37 (hg19) VCF-style: chr14-91804412-C-T.
Identifiers: ClinVar variation 1336290 (VCV001336290.34), dbSNP rs139506400, ClinGen allele CA7310033.

ClinVar aggregate classification (germline): Likely benign. Review status: criteria provided, multiple submitters, no conflicts (2 of 4 stars). 5 submissions from 5 submitters: Likely benign (5). Last evaluated 2026-04-24.

Conditions:
CCDC88C-related disorder. Also called: CCDC88C-Related Disorders; CCDC88C-related condition.

Allele frequency attached by ClinVar (database versions not stated): 1000 Genomes Project 30x 0.00016; 1000 Genomes Project 0.00020; TOPMed 0.00034; gnomAD 0.00035 and 0.00037; ExAC 0.00037; gnomAD exomes 0.00044 and 0.00064; ESP Exome Variant Server 0.00047.
gnomAD v4.1: 975 of 1,613,830 alleles (0.06%); highest among the groups gnomAD compares: Non-Finnish European, 0.078%; no homozygotes.

Submissions (5):

PreventionGenetics, part of Exact Sciences
Classification: Likely benign for CCDC88C-related condition. Last evaluated: 2026-04-24. Review status: criteria provided, single submitter. Criteria: ACMG Guidelines, 2015. Collection method: clinical testing. Allele origin: germline.
Comment: This variant is classified as likely benign based on ACMG/AMP sequence variant interpretation guidelines (Richards et al. 2015 PMID: 25741868, with internal and published modifications).

Labcorp Genetics (formerly Invitae), Labcorp
Classification: Likely benign. Last evaluated: 2026-01-17. Review status: criteria provided, single submitter. Criteria: Invitae Variant Classification Sherloc (09022015). Collection method: clinical testing. Allele origin: germline.

Blueprint Genetics
Classification: Likely benign. Last evaluated: 2024-10-29. Review status: criteria provided, single submitter. Criteria: ACMG Guidelines, 2015. Collection method: clinical testing. Allele origin: germline.

CeGaT Center for Human Genetics Tuebingen
Classification: Likely benign. Last evaluated: 2023-08-01. Review status: criteria provided, single submitter. Criteria: CeGaT Center For Human Genetics Tuebingen Variant Classification Criteria Version 2. Collection method: clinical testing. Allele origin: germline. Affected: yes. Observed: 1 variant allele.
Comment: CCDC88C: BP4, BP7

Genetic Services Laboratory, University of Chicago
Classification: Likely benign. Last evaluated: 2018-09-11. Review status: criteria provided, single submitter. Criteria: ACMG Guidelines, 2015. Collection method: clinical testing. Allele origin: germline. Affected: no.